The following is an entry in ClinVar:

NM_130384.3(ATRIP):c.68C>T (p.Pro23Leu)

Genes: ATRIP (ATR interacting protein; plus strand), ATRIP-TREX1 (ATRIP-TREX1 readthrough; plus strand), LOC129936703 (ATAC-STARR-seq lymphoblastoid silent region 14331; plus strand). Cytogenetic location: 3p21.31.
Variant type: single nucleotide variant.
Coding change: c.68C>T on transcript NM_130384.3 (MANE Select); coding-DNA position 68, C replaced by T.
Protein change: p.Pro23Leu; replaces proline 23 with leucine.
Molecular consequence: missense variant. On other transcripts: non-coding transcript variant (1), intron variant (1).
Genome position (GRCh38, 1-based): chr3:48,446,913, C>T. VCF-style: chr3-48446913-C-T. GRCh37 (hg19) VCF-style: chr3-48488317-C-T.
Other names: c.68C>T, p.Pro23Leu (NM_032166.4); c.-218+114C>T (NM_001271022.2); short protein forms P23L.
Identifiers: ClinVar variation 3810841 (VCV003810841.1).

ClinVar aggregate classification (germline): Uncertain significance (1 of 4 stars; one submission).

Submission:

Ambry Genetics
Classification: Uncertain significance. Last evaluated: 2025-02-16. Review status: criteria provided, single submitter. Criteria: Ambry Variant Classification Scheme 2023. Collection method: clinical testing. Allele origin: germline.
Comment: The p.P23L variant (also known as c.68C>T), located in coding exon 1 of the ATRIP gene, results from a C to T substitution at nucleotide position 68. The proline at codon 23 is replaced by leucine, an amino acid with similar properties. This amino acid position is conserved. In addition, this alteration is predicted to be tolerated by in silico analysis. Based on the available evidence, the clinical significance of this variant remains unclear.